The following is an entry in ClinVar:

NM_003737.4(DCHS1):c.341G>A (p.Arg114His)

Gene: DCHS1 (dachsous cadherin-related 1; minus strand). Cytogenetic location: 11p15.4.
Variant type: single nucleotide variant.
Coding change: c.341G>A on transcript NM_003737.4 (MANE Select); coding-DNA position 341, G replaced by A.
Protein change: p.Arg114His; replaces arginine 114 with histidine.
Molecular consequence: missense variant.
Genome position (GRCh38, 1-based): chr11:6,641,273, C>T on the plus strand (G>A on the coding strand, the complement: DCHS1 is on the minus strand). VCF-style: chr11-6641273-C-T. GRCh37 (hg19) VCF-style: chr11-6662504-C-T.
Other names: c.341G>A (NM_003737.3, NM_003737.2); short protein forms R114H.
Identifiers: ClinVar variation 1978597 (VCV001978597.9), dbSNP rs200795531, ClinGen allele CA5861166.

ClinVar aggregate classification (germline): Uncertain significance. Review status: criteria provided, multiple submitters, no conflicts (2 of 4 stars). 3 submissions from 3 submitters: Uncertain significance (3). Last evaluated 2025-06-11.

Conditions:
Inborn genetic diseases. Identifiers: MedGen C0950123, MeSH D030342.

Allele frequency attached by ClinVar (database versions not stated): gnomAD exomes 0.00001; gnomAD 0.00003; ExAC 0.00004; 1000 Genomes Project 0.00040; 1000 Genomes Project 30x 0.00047.
gnomAD v4.1: 17 of 1,613,724 alleles (0.0011%); highest among the groups gnomAD compares: Admixed American, 0.005%; no homozygotes.

Submissions (3):

GeneDx
Classification: Uncertain significance. Last evaluated: 2025-06-11. Review status: criteria provided, single submitter. Criteria: GeneDx Variant Classification Process June 2021. Collection method: clinical testing. Allele origin: germline. Affected: yes.
Comment: In silico analysis suggests that this missense variant does not alter protein structure/function; Has not been previously published as pathogenic or benign to our knowledge

Labcorp Genetics (formerly Invitae), Labcorp
Classification: Uncertain significance. Last evaluated: 2025-03-13. Review status: criteria provided, single submitter. Criteria: Invitae Variant Classification Sherloc (09022015). Collection method: clinical testing. Allele origin: germline.
Comment: This sequence change replaces arginine, which is basic and polar, with histidine, which is basic and polar, at codon 114 of the DCHS1 protein (p.Arg114His). This variant is present in population databases (rs200795531, gnomAD 0.01%). This variant has not been reported in the literature in individuals affected with DCHS1-related conditions. ClinVar contains an entry for this variant (Variation ID: 1978597). Invitae Evidence Modeling of protein sequence and biophysical properties (such as structural, functional, and spatial information, amino acid conservation, physicochemical variation, residue mobility, and thermodynamic stability) indicates that this missense variant is not expected to disrupt DCHS1 protein function with a negative predictive value of 80%. In summary, the available evidence is currently insufficient to determine the role of this variant in disease. Therefore, it has been classified as a Variant of Uncertain Significance.

Ambry Genetics
Classification: Uncertain significance for Inborn genetic diseases. Last evaluated: 2023-07-14. Review status: criteria provided, single submitter. Criteria: Ambry Variant Classification Scheme 2023. Collection method: clinical testing. Allele origin: germline.